The following is an entry in ClinVar:

ClinVar aggregate classification (germline): Uncertain significance. Review status: criteria provided, multiple submitters, no conflicts (2 of 4 stars). 2 submissions from 2 submitters: Uncertain significance (2). Last evaluated 2025-08-08.

Conditions:
Wilms tumor 1 (WT1). Also called: Wilms tumor, somatic. Identifiers: Orphanet 654, MedGen CN033288, MONDO:0008679, OMIM 194070.
Drash syndrome (DDS). Also called: NEPHROPATHY, WILMS TUMOR, AND GENITAL ANOMALIES; WILMS TUMOR AND PSEUDO- OR TRUE HERMAPHRODITISM. Identifiers: Orphanet 220, MedGen C0950121, MONDO:0008682, OMIM 194080.
11p partial monosomy syndrome (WAGR). Also called: WAGR Spectrum Disorder; CHROMOSOME 11p13 DELETION SYNDROME; WAGR syndrome; WAGR Complex. Identifiers: Orphanet 893, MedGen C0206115, MONDO:0008681, OMIM 194072.
Frasier syndrome. Identifiers: Orphanet 347, MedGen C0950122, MeSH D052159, MONDO:0007635, OMIM 136680.
Inborn genetic diseases. Identifiers: MedGen C0950123, MeSH D030342.

Allele frequency attached by ClinVar (database versions not stated): gnomAD exomes below 0.00001.
gnomAD v4.1: 5 of 1,614,250 alleles (0.00031%); highest among the groups gnomAD compares: Non-Finnish European, 0.00042%; no homozygotes.

Submissions (2):

Ambry Genetics
Classification: Uncertain significance for Inborn genetic diseases. Last evaluated: 2025-08-08. Review status: criteria provided, single submitter. Criteria: Ambry Variant Classification Scheme 2023. Collection method: clinical testing. Allele origin: germline.
Comment: The p.H503Q variant (also known as c.1509C>A), located in coding exon 10 of the WT1 gene, results from a C to A substitution at nucleotide position 1509. The histidine at codon 503 is replaced by glutamine, an amino acid with highly similar properties. This amino acid position is conserved. In addition, the in silico prediction for this alteration is inconclusive. Based on the available evidence, the clinical significance of this variant remains unclear.

Labcorp Genetics (formerly Invitae), Labcorp
Classification: Uncertain significance for Wilms tumor 1; Drash syndrome; 11p partial monosomy syndrome; Frasier syndrome. Last evaluated: 2024-01-08. Review status: criteria provided, single submitter. Criteria: Invitae Variant Classification Sherloc (09022015). Collection method: clinical testing. Allele origin: germline.
Comment: This sequence change replaces histidine, which is basic and polar, with glutamine, which is neutral and polar, at codon 503 of the WT1 protein (p.His503Gln). This variant is present in population databases (no rsID available, gnomAD 0.0009%). This variant has not been reported in the literature in individuals affected with WT1-related conditions. ClinVar contains an entry for this variant (Variation ID: 476690). An algorithm developed to predict the effect of missense changes on protein structure and function (PolyPhen-2) suggests that this variant is likely to be disruptive. In summary, the available evidence is currently insufficient to determine the role of this variant in disease. Therefore, it has been classified as a Variant of Uncertain Significance.

NM_024426.6(WT1):c.1524C>A (p.His508Gln)

Gene: WT1 (WT1 transcription factor; minus strand). Cytogenetic location: 11p13.
Variant type: single nucleotide variant.
Coding change: c.1524C>A on transcript NM_024426.6 (MANE Select); coding-DNA position 1524, C replaced by A.
Protein change: p.His508Gln; replaces histidine 508 with glutamine.
Molecular consequence: missense variant. On other transcripts: non-coding transcript variant (1).
Genome position (GRCh38, 1-based): chr11:32,389,103, G>T on the plus strand (C>A on the coding strand, the complement: WT1 is on the minus strand). VCF-style: chr11-32389103-G-T. GRCh37 (hg19) VCF-style: chr11-32410649-G-T.
Other names: c.1464C>A, p.His488Gln (NM_000378.6); c.864C>A, p.His288Gln (NM_001198551.2); c.822C>A, p.His274Gln (NM_001198552.2); c.336C>A, p.His112Gln (NM_001367854.1); c.1509C>A, p.His503Gln (NM_001407044.1); c.1473C>A, p.His491Gln (NM_001407045.1); c.1431C>A, p.His477Gln (NM_001407046.1); c.1392C>A, p.His464Gln (NM_001407047.1); and 6 more; short protein forms H288Q, H508Q, H488Q, H505Q, H112Q, H274Q, H450Q, H254Q.
Identifiers: ClinVar variation 476690 (VCV000476690.12), dbSNP rs1451629862, ClinGen allele CA379957558.
Genomic context (GRCh38, chr11:32,389,103, plus strand): 5'-CCCGAGGGAGACCCCTCAAAGCGCCAGCTGGAGTTTGGTCATGTTTCTCTGATGCATGTT[G>T]TGATGGCGGACTAATTCATCTGACCGGGCAAACTTTTTCTGACAACTTGGCCACCGACAG-3'
Protein context (NP_077744.4, residues 498-518): FARSDELVRH[His508Gln]NMHQRNMTKL